The following is an entry in ClinVar:

ClinVar aggregate classification (germline): Uncertain significance (1 of 4 stars; one submission).

Conditions:
Gorlin syndrome. Also called: Nevoid Basal Cell Carcinoma Syndrome; Basal cell nevus syndrome. Identifiers: Orphanet 377, MedGen C0004779, MONDO:0007187.

Submission:

Labcorp Genetics (formerly Invitae), Labcorp
Classification: Uncertain significance for Gorlin syndrome. Last evaluated: 2022-11-15. Review status: criteria provided, single submitter. Criteria: Invitae Variant Classification Sherloc (09022015). Collection method: clinical testing. Allele origin: germline.
Comment: This sequence change replaces alanine, which is neutral and non-polar, with proline, which is neutral and non-polar, at codon 42 of the PTCH1 protein (p.Ala42Pro). This variant is not present in population databases (gnomAD no frequency). This variant has not been reported in the literature in individuals affected with PTCH1-related conditions. ClinVar contains an entry for this variant (Variation ID: 1478386). Advanced modeling of protein sequence and biophysical properties (such as structural, functional, and spatial information, amino acid conservation, physicochemical variation, residue mobility, and thermodynamic stability) performed at Invitae indicates that this missense variant is not expected to disrupt PTCH1 protein function. In summary, the available evidence is currently insufficient to determine the role of this variant in disease. Therefore, it has been classified as a Variant of Uncertain Significance.

NM_000264.5(PTCH1):c.124G>C (p.Ala42Pro)

Genes: PTCH1 (patched 1; minus strand), LOC130002133 (ATAC-STARR-seq lymphoblastoid silent region 20071; plus strand). Cytogenetic location: 9q22.32.
Variant type: single nucleotide variant.
Coding change: c.124G>C on transcript NM_000264.5 (MANE Select); coding-DNA position 124, G replaced by C.
Protein change: p.Ala42Pro; replaces alanine 42 with proline.
Molecular consequence: missense variant. On other transcripts: non-coding transcript variant (1), intron variant (3).
Genome position (GRCh38, 1-based): chr9:95,508,238, C>G on the plus strand (G>C on the coding strand, the complement: PTCH1 is on the minus strand). VCF-style: chr9-95508238-C-G. GRCh37 (hg19) VCF-style: chr9-98270520-C-G.
Other names: c.124G>C, p.Ala42Pro (NM_001354918.2); c.199-1639G>C (NM_001083603.3); c.4-1639G>C (NM_001083602.3, NM_001354919.2); short protein forms A42P.
Identifiers: ClinVar variation 1478386 (VCV001478386.8), dbSNP rs2118908042, ClinGen allele CA374121391.
Genomic context (GRCh38, chr9:95,508,238, plus strand): 5'-GAGCGAAGGCGGCGTCGCAGTAGCTGGGCCGGTGCAGATAGTCCCGGTCCGGCGCGGCAG[C>G]ACGGCGCAGCCCCCCCGTCCGTCTGCGCCTCCCGCCTCCAGCCGGCCGTCCCGGGGCACC-3'
Protein context (NP_000255.2, residues 32-52): RRRRTGGLRR[Ala42Pro]AAPDRDYLHR